The following is an entry in ClinVar:

ClinVar aggregate classification (germline): Likely benign. Review status: criteria provided, multiple submitters, no conflicts (2 of 4 stars). 5 submissions from 5 submitters: Likely benign (5). Last evaluated 2025-10-02.

Conditions:
Hypertrophic cardiomyopathy. Also called: HYPERTROPHIC MYOCARDIOPATHY. Identifiers: Orphanet 217569, MedGen C0007194, MeSH D002312, MONDO:0005045, HP:0001639.
Cardiovascular phenotype. Identifiers: MedGen CN230736.
Cardiomyopathy (CMYO). Also called: Cardiomyopathies. Identifiers: Orphanet 167848, MedGen C0878544, MONDO:0004994, HP:0001638. Inheritance: Various modes of inheritance.

Allele frequency attached by ClinVar (database versions not stated): gnomAD 0.00001; TOPMed 0.00001.

Submissions (5):

Labcorp Genetics (formerly Invitae), Labcorp
Classification: Likely benign for Hypertrophic cardiomyopathy. Last evaluated: 2025-10-02. Review status: criteria provided, single submitter. Criteria: Invitae Variant Classification Sherloc (09022015). Collection method: clinical testing. Allele origin: germline.

Ambry Genetics
Classification: Likely benign for Cardiovascular phenotype. Last evaluated: 2024-04-26. Review status: criteria provided, single submitter. Criteria: Ambry Variant Classification Scheme 2023. Collection method: clinical testing. Allele origin: germline.

All of Us Research Program, National Institutes of Health
Classification: Likely benign for Hypertrophic cardiomyopathy. Last evaluated: 2023-04-03. Review status: criteria provided, single submitter. Criteria: ACMG Guidelines, 2015. Collection method: clinical testing. Allele origin: germline. Inheritance: Autosomal dominant inheritance. Observed: 1 variant allele, 1 heterozygote.
Comment: This study involves interpretation of variants in research participants for the purpose of population health screening. Participant phenotype was not available at the time of variant classification. Additional details can be found in publication PMID: 35346344, PMCID: PMC8962531

Color Diagnostics, LLC DBA Color Health
Classification: Likely benign for Cardiomyopathy. Last evaluated: 2019-07-02. Review status: criteria provided, single submitter. Criteria: ACMG Guidelines, 2015. Collection method: clinical testing. Allele origin: germline.

Breakthrough Genomics
Classification: Likely benign. Review status: criteria provided, single submitter. Criteria: ACMG Guidelines, 2015. Collection method: not provided. Allele origin: germline. Inheritance: Autosomal recessive inheritance. Affected: yes.

NM_000363.5(TNNI3):c.432G>C (p.Leu144=)

Gene: TNNI3 (troponin I3, cardiac type; minus strand). Cytogenetic location: 19q13.42.
Variant type: single nucleotide variant.
Coding change: c.432G>C on transcript NM_000363.5 (MANE Select); coding-DNA position 432, G replaced by C.
Protein change: p.Leu144=; no amino-acid change (leucine 144 retained).
Molecular consequence: synonymous variant.
Genome position (GRCh38, 1-based): chr19:55,154,147, C>G on the plus strand (G>C on the coding strand, the complement: TNNI3 is on the minus strand). VCF-style: chr19-55154147-C-G. GRCh37 (hg19) VCF-style: chr19-55665515-C-G.
Identifiers: ClinVar variation 924678 (VCV000924678.6), dbSNP rs776615304, ClinGen allele CA051600.
Genomic context (GRCh38, chr19:55,154,147, plus strand): 5'-CTTAGCCCGGGCCCCCAGCAGCGCCTGCATCATGGCATCTGCAGAGATCCTCACTCTCCG[C>G]AGGGTGGGCCGCTTAAACTTGCCTCGAAGGTCAAAGATCTTCTGAGTCAGATCTGCAATC-3'
Protein context (NP_000354.4, residues 134-154): DLRGKFKRPT[Leu144=]RRVRISADAM